The following is an entry in ClinVar:

ClinVar aggregate classification (germline): Uncertain significance (1 of 4 stars; one submission).

Conditions:
Primary ciliary dyskinesia. Also called: Ciliary dyskinesia. Identifiers: Orphanet 244, MedGen C0008780, MONDO:0016575, HP:0012265.

Submission:

Labcorp Genetics (formerly Invitae), Labcorp
Classification: Uncertain significance for Primary ciliary dyskinesia. Last evaluated: 2023-07-06. Review status: criteria provided, single submitter. Criteria: Invitae Variant Classification Sherloc (09022015). Collection method: clinical testing. Allele origin: germline.
Comment: In summary, the available evidence is currently insufficient to determine the role of this variant in disease. Therefore, it has been classified as a Variant of Uncertain Significance. An algorithm developed to predict the effect of missense changes on protein structure and function (PolyPhen-2) suggests that this variant is likely to be tolerated. This variant has not been reported in the literature in individuals affected with RSPH9-related conditions. This variant is not present in population databases (gnomAD no frequency). This sequence change replaces serine, which is neutral and polar, with phenylalanine, which is neutral and non-polar, at codon 97 of the RSPH9 protein (p.Ser97Phe).

NM_152732.5(RSPH9):c.290C>T (p.Ser97Phe)

Gene: RSPH9 (radial spoke head component 9; plus strand). Cytogenetic location: 6p21.1.
Variant type: single nucleotide variant.
Coding change: c.290C>T on transcript NM_152732.5 (MANE Select); coding-DNA position 290, C replaced by T.
Protein change: p.Ser97Phe; replaces serine 97 with phenylalanine.
Molecular consequence: missense variant. On other transcripts: non-coding transcript variant (1).
Genome position (GRCh38, 1-based): chr6:43,650,437, C>T. VCF-style: chr6-43650437-C-T. GRCh37 (hg19) VCF-style: chr6-43618174-C-T.
Other names: c.290C>T, p.Ser97Phe (NM_001193341.2, NM_001424119.1, NM_001424120.1 and 1 more transcripts); short protein forms S97F.
Identifiers: ClinVar variation 2736333 (VCV002736333.3), dbSNP rs2532732769, ClinGen allele CA364288548.